The following is an entry in ClinVar:

NM_003068.5(SNAI2):c.368T>C (p.Ile123Thr)

Gene: SNAI2 (snail family transcriptional repressor 2; minus strand). Cytogenetic location: 8q11.21.
Variant type: single nucleotide variant.
Coding change: c.368T>C on transcript NM_003068.5 (MANE Select); coding-DNA position 368, T replaced by C.
Protein change: p.Ile123Thr; replaces isoleucine 123 with threonine.
Molecular consequence: missense variant.
Genome position (GRCh38, 1-based): chr8:48,920,153, A>G on the plus strand (T>C on the coding strand, the complement: SNAI2 is on the minus strand). VCF-style: chr8-48920153-A-G. GRCh37 (hg19) VCF-style: chr8-49832712-A-G.
Other names: c.368T>C (NM_003068.4); short protein forms I123T.
Identifiers: ClinVar variation 2070645 (VCV002070645.5), dbSNP rs781778604, ClinGen allele CA4743503.

ClinVar aggregate classification (germline): Uncertain significance. Review status: criteria provided, multiple submitters, no conflicts (2 of 4 stars). 2 submissions from 2 submitters: Uncertain significance (2). Last evaluated 2026-05-06.

Conditions:
SNAI2-related disorder. Also called: SNAI2-related condition.

Allele frequency attached by ClinVar (database versions not stated): ExAC 0.00002; gnomAD exomes 0.00002; gnomAD 0.00005; TOPMed 0.00006.
gnomAD v4.1: 39 of 1,614,124 alleles (0.0024%); highest among the groups gnomAD compares: Admixed American, 0.023%; no homozygotes.

Submissions (2):

PreventionGenetics, part of Exact Sciences
Classification: Uncertain significance for SNAI2-related condition. Last evaluated: 2026-05-06. Review status: criteria provided, single submitter. Criteria: ACMG Guidelines, 2015. Collection method: clinical testing. Allele origin: germline.
Comment: The SNAI2 c.368T>C variant is predicted to result in the amino acid substitution p.Ile123Thr. To our knowledge, this variant has not been reported in the literature. This variant is reported in 0.028% of alleles in individuals of Latino descent in gnomAD. At this time, the clinical significance of this variant is uncertain due to the absence of conclusive functional and genetic evidence.

Labcorp Genetics (formerly Invitae), Labcorp
Classification: Uncertain significance. Last evaluated: 2024-02-05. Review status: criteria provided, single submitter. Criteria: Invitae Variant Classification Sherloc (09022015). Collection method: clinical testing. Allele origin: germline.
Comment: This sequence change replaces isoleucine, which is neutral and non-polar, with threonine, which is neutral and polar, at codon 123 of the SNAI2 protein (p.Ile123Thr). This variant is present in population databases (rs781778604, gnomAD 0.03%). This variant has not been reported in the literature in individuals affected with SNAI2-related conditions. ClinVar contains an entry for this variant (Variation ID: 2070645). Algorithms developed to predict the effect of missense changes on protein structure and function output the following: SIFT: "Not Available"; PolyPhen-2: "Benign"; Align-GVGD: "Not Available". The threonine amino acid residue is found in multiple mammalian species, which suggests that this missense change does not adversely affect protein function. In summary, the available evidence is currently insufficient to determine the role of this variant in disease. Therefore, it has been classified as a Variant of Uncertain Significance.